The following is an entry in ClinVar:

NM_006206.6(PDGFRA):c.1700_1701delinsGG (p.Pro567Arg)

Gene: PDGFRA (platelet derived growth factor receptor alpha; plus strand). Cytogenetic location: 4q12.
Variant type: Indel.
Coding change: c.1700_1701delinsGG on transcript NM_006206.6 (MANE Select); coding-DNA positions 1700 to 1701, CA replaced by GG.
Protein change: p.Pro567Arg; replaces proline 567 with arginine.
Molecular consequence: missense variant.
Genome position (GRCh38, 1-based): chr4:54,274,887-54,274,888, CA replaced by GG. VCF-style: chr4-54274887-CA-GG. GRCh37 (hg19) VCF-style: chr4-55141054-CA-GG.
Other names: c.1700_1701delinsGG, p.Pro567Arg (NM_001347827.2, NM_001347829.2); c.1775_1776delinsGG, p.Pro592Arg (NM_001347828.2); c.1739_1740delinsGG, p.Pro580Arg (NM_001347830.2); short protein forms P567R, P580R, P592R.
Identifiers: ClinVar variation 407423 (VCV000407423.9), dbSNP rs587778595, ClinGen allele CA16611483.

ClinVar aggregate classification (germline): Uncertain significance (1 of 4 stars; one submission).

Conditions:
Gastrointestinal stromal tumor. Also called: Gastrointestinal stroma tumor; Gastrointestinal stromal tumor, somatic. Identifiers: Orphanet 44890, MedGen C0238198, MeSH D046152, MONDO:0011719, OMIM 606764, HP:0100723.

Submission:

Labcorp Genetics (formerly Invitae), Labcorp
Classification: Uncertain significance for Gastrointestinal stromal tumor. Last evaluated: 2022-09-20. Review status: criteria provided, single submitter. Criteria: Invitae Variant Classification Sherloc (09022015). Collection method: clinical testing. Allele origin: germline.
Comment: This variant has not been reported in the literature in individuals affected with PDGFRA-related conditions. This sequence change replaces proline, which is neutral and non-polar, with arginine, which is basic and polar, at codon 567 of the PDGFRA protein (p.Pro567Arg). Information on the frequency of this variant in the gnomAD database is not available, as this variant may be reported differently in the database. ClinVar contains an entry for this variant (Variation ID: 407423). Algorithms developed to predict the effect of missense changes on protein structure and function are either unavailable or do not agree on the potential impact of this missense change (SIFT: "Not Available"; PolyPhen-2: "Probably Damaging"; Align-GVGD: "Not Available"). In summary, the available evidence is currently insufficient to determine the role of this variant in disease. Therefore, it has been classified as a Variant of Uncertain Significance.